The following is an entry in ClinVar:

ClinVar aggregate classification (germline): Likely benign (0 of 4 stars; one submission).

Conditions:
ZNF335-related disorder. Also called: ZNF335-related condition.

Allele frequency attached by ClinVar (database versions not stated): ExAC 0.00002; gnomAD 0.00002.
gnomAD v4.1: 75 of 1,595,506 alleles (0.0047%); highest among the groups gnomAD compares: African/African-American, 0.0068%; no homozygotes.

Submission:

PreventionGenetics, part of Exact Sciences
Classification: Likely benign for ZNF335-related condition. Last evaluated: 2019-08-12. Review status: no assertion criteria provided. Collection method: clinical testing. Allele origin: germline.
Comment: This variant is classified as likely benign based on ACMG/AMP sequence variant interpretation guidelines (Richards et al. 2015 PMID: 25741868, with internal and published modifications).

NM_022095.4(ZNF335):c.1611C>T (p.Asp537=)

Gene: ZNF335 (zinc finger protein 335; minus strand). Cytogenetic location: 20q13.12.
Variant type: single nucleotide variant.
Coding change: c.1611C>T on transcript NM_022095.4 (MANE Select); coding-DNA position 1611, C replaced by T.
Protein change: p.Asp537=; no amino-acid change (aspartic acid 537 retained).
Molecular consequence: synonymous variant.
Genome position (GRCh38, 1-based): chr20:45,962,105, G>A on the plus strand (C>T on the coding strand, the complement: ZNF335 is on the minus strand). VCF-style: chr20-45962105-G-A. GRCh37 (hg19) VCF-style: chr20-44590744-G-A.
Identifiers: ClinVar variation 3034685 (VCV003034685.2), dbSNP rs781748256, ClinGen allele CA9885681.
Genomic context (GRCh38, chr20:45,962,105, plus strand): 5'-AGGTCCCTCCCACCCCCACACTGACCGGTCCCGGCTGTGCACAGCGGCGTGCCGAATGAC[G>A]TCCTTCCGGTAGACACTGGTGTAGCTGCACTCGTCACACTTGTAGGGCTTGCTGCCCACG-3'
Protein context (NP_071378.1, residues 527-547): ECSYTSVYRK[Asp537=]VIRHAAVHSR